The following is an entry in ClinVar:

NM_198578.4(LRRK2):c.2543T>G (p.Met848Arg)

Gene: LRRK2 (leucine rich repeat kinase 2; plus strand). Cytogenetic location: 12q12.
Variant type: single nucleotide variant.
Coding change: c.2543T>G on transcript NM_198578.4 (MANE Select); coding-DNA position 2543, T replaced by G.
Protein change: p.Met848Arg; replaces methionine 848 with arginine.
Molecular consequence: missense variant.
Genome position (GRCh38, 1-based): chr12:40,287,393, T>G. VCF-style: chr12-40287393-T-G. GRCh37 (hg19) VCF-style: chr12-40681195-T-G.
Other names: short protein forms M848R.
Identifiers: ClinVar variation 1792857 (VCV001792857.7), dbSNP rs1263432754, ClinGen allele CA384408653.
Genomic context (GRCh38, chr12:40,287,393, plus strand): 5'-TGTATCTCTTATTTTCAGATATAGCATCTACACTAGCAAGAATGGTGATCAGATATCAGA[T>G]GAAAAGTGCTGTGGAAGAAGGAACAGCCTCAGGCAGCGATGGAAATTTTTCTGAAGATGT-3'
Protein context (NP_940980.4, residues 838-858): TLARMVIRYQ[Met848Arg]KSAVEEGTAS

ClinVar aggregate classification (germline): Uncertain significance. Review status: criteria provided, multiple submitters, no conflicts (2 of 4 stars). 2 submissions from 2 submitters: Uncertain significance (2). Last evaluated 2023-10-02.

Conditions:
Inborn genetic diseases. Identifiers: MedGen C0950123, MeSH D030342.
Autosomal dominant Parkinson disease 8. Also called: Parkinson disease 8, susceptibility to; LRRK2-Related Parkinson Disease; Parkinson disease 8. Identifiers: Orphanet 411602, MedGen C1846862, MONDO:0011764, OMIM 607060.

Allele frequency attached by ClinVar (database versions not stated): gnomAD 0.00002.
gnomAD v4.1: 5 of 1,612,614 alleles (0.00031%); highest among the groups gnomAD compares: African/African-American, 0.0013%; no homozygotes.

Submissions (2):

Ambry Genetics
Classification: Uncertain significance for Inborn genetic diseases. Last evaluated: 2023-10-02. Review status: criteria provided, single submitter. Criteria: Ambry Variant Classification Scheme 2023. Collection method: clinical testing. Allele origin: germline.
Comment: The p.M848R variant (also known as c.2543T>G), located in coding exon 20 of the LRRK2 gene, results from a T to G substitution at nucleotide position 2543. The methionine at codon 848 is replaced by arginine, an amino acid with similar properties. This amino acid position is conserved. In addition, this alteration is predicted to be tolerated by in silico analysis. Since supporting evidence is limited at this time, the clinical significance of this alteration remains unclear.

Labcorp Genetics (formerly Invitae), Labcorp
Classification: Uncertain significance for Autosomal dominant Parkinson disease 8. Last evaluated: 2022-06-13. Review status: criteria provided, single submitter. Criteria: Invitae Variant Classification Sherloc (09022015). Collection method: clinical testing. Allele origin: germline.
Comment: This variant has not been reported in the literature in individuals affected with LRRK2-related conditions. This variant is present in population databases (no rsID available, gnomAD 0.01%). This sequence change replaces methionine, which is neutral and non-polar, with arginine, which is basic and polar, at codon 848 of the LRRK2 protein (p.Met848Arg). Algorithms developed to predict the effect of missense changes on protein structure and function (SIFT, PolyPhen-2, Align-GVGD) all suggest that this variant is likely to be tolerated. In summary, the available evidence is currently insufficient to determine the role of this variant in disease. Therefore, it has been classified as a Variant of Uncertain Significance.